The following is an entry in ClinVar:

NM_004655.4(AXIN2):c.2062_2064delinsTTT (p.Leu688Phe)

Gene: AXIN2 (axin 2; minus strand). Cytogenetic location: 17q24.1.
Variant type: Indel.
Coding change: c.2062_2064delinsTTT on transcript NM_004655.4 (MANE Select); coding-DNA positions 2062 to 2064, CTG replaced by TTT.
Protein change: p.Leu688Phe; replaces leucine 688 with phenylalanine.
Molecular consequence: missense variant.
Genome position (GRCh38, 1-based): chr17:65,536,397-65,536,399, CAG replaced by AAA on the plus strand (CTG replaced by TTT on the coding strand, the reverse complement: AXIN2 is on the minus strand). VCF-style: chr17-65536397-CAG-AAA. GRCh37 (hg19) VCF-style: chr17-63532515-CAG-AAA.
Other names: c.1867_1869delinsTTT, p.Leu623Phe (NM_001363813.1); short protein forms L623F, L688F.
Identifiers: ClinVar variation 1785245 (VCV001785245.3), dbSNP rs2509401360, ClinGen allele CA2580094654.

ClinVar aggregate classification (germline): Uncertain significance (1 of 4 stars; one submission).

Conditions:
Hereditary cancer-predisposing syndrome. Also called: Neoplastic Syndromes, Hereditary; Tumor predisposition; Hereditary Cancer Syndrome; Hereditary neoplastic syndrome. Identifiers: Orphanet 140162, MedGen C0027672, MeSH D009386, MONDO:0015356.

Submission:

Ambry Genetics
Classification: Uncertain significance for Hereditary cancer-predisposing syndrome. Last evaluated: 2024-11-18. Review status: criteria provided, single submitter. Criteria: Ambry Variant Classification Scheme 2023. Collection method: clinical testing. Allele origin: germline.
Comment: The c.2062_2064delCTGinsTTT variant, located in coding exon 7 of the AXIN2 gene, results from an in-frame deletion of CTG and insertion of TTT at nucleotide positions 2062 to 2064. This results in the substitution of the leucine residue for a phenylalanine residue at codon 688, an amino acid with highly similar properties. This amino acid position is highly conserved in available vertebrate species. In addition, this alteration is predicted to be neutral by in silico analysis (Choi Y et al. PLoS ONE. 2012; 7(10):e46688). Since supporting evidence is limited at this time, the clinical significance of this alteration remains unclear.